The following is an entry in ClinVar:

NM_001164508.2(NEB):c.24662dup (p.Asn8221fs)

Genes: NEB (nebulin; minus strand), RIF1 (replication timing regulatory factor 1; plus strand). Cytogenetic location: 2q23.3.
Variant type: Duplication.
Coding change: c.24662dup on transcript NM_001164508.2 (MANE Select); coding-DNA position 24662, one base duplicated (A; older notation c.24662dupA).
Protein change: p.Asn8221fs; shifts the reading frame from asparagine 8221.
Molecular consequence: frameshift variant.
Genome position (GRCh38, 1-based): chr2:151,493,785, T duplicated on the plus strand (A on the coding strand, the reverse complement: NEB is on the minus strand); the first of 4 consecutive T bases (chr2:151,493,785-151,493,788); duplicating any one gives the same sequence. VCF-style (leftmost placement, unchanged base first): chr2-151493784-G-GT. GRCh37 (hg19) VCF-style: chr2-152350298-G-GT.
Other names: c.24662dup, p.Asn8221fs (NM_001164507.2); c.24767dup, p.Asn8256fs (NM_001271208.2); c.19094dup, p.Asn6365fs (NM_004543.5); short protein forms N6365fs, N8221fs, N8256fs.
Identifiers: ClinVar variation 1726134 (VCV001726134.2), dbSNP rs2551731512, ClinGen allele CA2580064122.
Genomic context (GRCh38, chr2:151,493,784, plus strand): 5'-TTTGCCAGGGCTGTTAAGATTTTAAGGATTTATTTTTCCTTTCTAAAATACCGAGCTAAA[G>GT]TTTTCTTGATTGCGTTTCACTCTTTCCATCTCAGGAGTAAAGGGTGTGGGGGTTGCTTTC-3'

ClinVar aggregate classification (germline): Likely pathogenic (1 of 4 stars; one submission).

Conditions:
Nemaline myopathy 2 (NEM2). Also called: Nemaline myopathy 2, autosomal recessive. Identifiers: MedGen C1850569, MONDO:0009725, OMIM 256030.

Submission:

Myriad Genetics, Inc.
Classification: Likely pathogenic for Nemaline myopathy 2. Last evaluated: 2022-05-18. Review status: criteria provided, single submitter. Criteria: Myriad Women's Health Autosomal Recessive and X-Linked Classification Criteria (2021). Collection method: clinical testing. Allele origin: unknown.
Comment: NM_001271208.1(NEB):c.24767dupA(N8256Kfs*3) is expected to be pathogenic in the context of NEB-related nemaline myopathy. This variant is predicted to lead to an abnormal or absent protein product due to the creation of a premature termination codon in NEB, a gene where loss-of-function variants are known to be pathogenic. Please note: this variant was assessed in the context of healthy population screening.